The following is an entry in ClinVar:

ClinVar aggregate classification (germline): Uncertain significance (1 of 4 stars; one submission).

Conditions:
Cornelia de Lange syndrome 3 (CDLS3). Also called: SMC3-Related Cornelia de Lange Syndrome; CORNELIA DE LANGE SYNDROME 3 WITH OR WITHOUT MIDLINE BRAIN DEFECTS. Identifiers: Orphanet 199, MedGen C1853099, MONDO:0012555, OMIM 610759.

Submission:

Labcorp Genetics (formerly Invitae), Labcorp
Classification: Uncertain significance for Cornelia de Lange syndrome 3. Last evaluated: 2025-08-21. Review status: criteria provided, single submitter. Criteria: Invitae Variant Classification Sherloc (09022015). Collection method: clinical testing. Allele origin: germline.
Comment: This sequence change replaces glutamic acid, which is acidic and polar, with alanine, which is neutral and non-polar, at codon 738 of the SMC3 protein (p.Glu738Ala). This variant is not present in population databases (gnomAD no frequency). This variant has not been reported in the literature in individuals affected with SMC3-related conditions. ClinVar contains an entry for this variant (Variation ID: 1394746). Invitae Evidence Modeling of protein sequence and biophysical properties (such as structural, functional, and spatial information, amino acid conservation, physicochemical variation, residue mobility, and thermodynamic stability) has been performed for this missense variant. However, the output from this modeling did not meet the statistical confidence thresholds required to predict the impact of this variant on SMC3 protein function. In summary, the available evidence is currently insufficient to determine the role of this variant in disease. Therefore, it has been classified as a Variant of Uncertain Significance.

NM_005445.4(SMC3):c.2213A>C (p.Glu738Ala)

Gene: SMC3 (structural maintenance of chromosomes 3; plus strand). Cytogenetic location: 10q25.2.
Variant type: single nucleotide variant.
Coding change: c.2213A>C on transcript NM_005445.4 (MANE Select); coding-DNA position 2213, A replaced by C.
Protein change: p.Glu738Ala; replaces glutamic acid 738 with alanine.
Molecular consequence: missense variant.
Genome position (GRCh38, 1-based): chr10:110,598,235, A>C. VCF-style: chr10-110598235-A-C. GRCh37 (hg19) VCF-style: chr10-112357993-A-C.
Other names: short protein forms E738A.
Identifiers: ClinVar variation 1394746 (VCV001394746.6), dbSNP rs2134747764, ClinGen allele CA378392213.